The following is an entry in ClinVar:

NM_004304.5(ALK):c.752A>G (p.Asp251Gly)

Gene: ALK (ALK receptor tyrosine kinase; minus strand). Cytogenetic location: 2p23.2.
Variant type: single nucleotide variant.
Coding change: c.752A>G on transcript NM_004304.5 (MANE Select); coding-DNA position 752, A replaced by G.
Protein change: p.Asp251Gly; replaces aspartic acid 251 with glycine.
Molecular consequence: missense variant.
Genome position (GRCh38, 1-based): chr2:29,717,613, T>C on the plus strand (A>G on the coding strand, the complement: ALK is on the minus strand). VCF-style: chr2-29717613-T-C. GRCh37 (hg19) VCF-style: chr2-29940479-T-C.
Other names: short protein forms D251G.
Identifiers: ClinVar variation 2831526 (VCV002831526.3), dbSNP rs1573580102, ClinGen allele CA346587676.

ClinVar aggregate classification (germline): Uncertain significance (1 of 4 stars; one submission).

Conditions:
Neuroblastoma, susceptibility to, 3. Also called: ALK-Related Neuroblastic Tumor Susceptibility. Identifiers: Orphanet 635, MedGen C2751681, MONDO:0013083, OMIM 613014.

Submission:

Labcorp Genetics (formerly Invitae), Labcorp
Classification: Uncertain significance for Neuroblastoma, susceptibility to, 3. Last evaluated: 2023-01-24. Review status: criteria provided, single submitter. Criteria: Invitae Variant Classification Sherloc (09022015). Collection method: clinical testing. Allele origin: germline.
Comment: In summary, the available evidence is currently insufficient to determine the role of this variant in disease. Therefore, it has been classified as a Variant of Uncertain Significance. Algorithms developed to predict the effect of missense changes on protein structure and function are either unavailable or do not agree on the potential impact of this missense change (SIFT: "Deleterious"; PolyPhen-2: "Probably Damaging"; Align-GVGD: "Class C0"). This sequence change replaces aspartic acid, which is acidic and polar, with glycine, which is neutral and non-polar, at codon 251 of the ALK protein (p.Asp251Gly). This variant is not present in population databases (gnomAD no frequency). This variant has not been reported in the literature in individuals affected with ALK-related conditions.